The following is an entry in ClinVar:

ClinVar aggregate classification (germline): Uncertain significance (1 of 4 stars; one submission).

Conditions:
Neurodevelopmental disorder. Identifiers: MedGen C1535926, MeSH D065886, MONDO:0700092.

Allele frequency attached by ClinVar (database versions not stated): gnomAD 0.00001.

Submission:

GeneDx
Classification: Uncertain significance. Last evaluated: 2021-04-07. Review status: criteria provided, single submitter. Criteria: GeneDx Variant Classification Process June 2021. Collection method: clinical testing. Allele origin: germline. Affected: yes.
Comment: Not observed in large population cohorts (Lek et al., 2016); In silico analysis, which includes protein predictors and evolutionary conservation, supports that this variant does not alter protein structure/function; Has not been previously published as pathogenic or benign to our knowledge

NM_006950.3(SYN1):c.1520G>T (p.Arg507Leu)

Gene: SYN1 (synapsin I; minus strand). Cytogenetic location: Xp11.3.
Variant type: single nucleotide variant.
Coding change: c.1520G>T on transcript NM_006950.3 (MANE Select); coding-DNA position 1520, G replaced by T.
Protein change: p.Arg507Leu; replaces arginine 507 with leucine.
Molecular consequence: missense variant.
Genome position (GRCh38, 1-based): chrX:47,574,464, C>A on the plus strand (G>T on the coding strand, the complement: SYN1 is on the minus strand). VCF-style: chrX-47574464-C-A. GRCh37 (hg19) VCF-style: chrX-47433863-C-A.
Other names: c.1520G>T, p.Arg507Leu (NM_133499.2); short protein forms R507L.
Identifiers: ClinVar variation 1305398 (VCV001305398.4), dbSNP rs2057770933, ClinGen allele CA412823524.